The following is an entry in ClinVar:

ClinVar aggregate classification (germline): Uncertain significance (1 of 4 stars; one submission).

Submission:

GeneDx
Classification: Uncertain significance. Last evaluated: 2021-02-22. Review status: criteria provided, single submitter. Criteria: GeneDx Variant Classification Process June 2021. Collection method: clinical testing. Allele origin: germline. Affected: yes.
Comment: Not observed in large population cohorts (Lek 2016); In silico analysis supports that this missense variant has a deleterious effect on protein structure/function; Has not been previously published as pathogenic or benign to our knowledge

NM_000368.5(TSC1):c.785T>C (p.Ile262Thr)

Gene: TSC1 (TSC complex subunit 1; minus strand). Cytogenetic location: 9q34.13.
Variant type: single nucleotide variant.
Coding change: c.785T>C on transcript NM_000368.5 (MANE Select); coding-DNA position 785, T replaced by C.
Protein change: p.Ile262Thr; replaces isoleucine 262 with threonine.
Molecular consequence: missense variant.
Genome position (GRCh38, 1-based): chr9:132,912,410, A>G on the plus strand (T>C on the coding strand, the complement: TSC1 is on the minus strand). VCF-style: chr9-132912410-A-G. GRCh37 (hg19) VCF-style: chr9-135787797-A-G.
Other names: c.785T>C, p.Ile262Thr (NM_001162426.2); c.632T>C, p.Ile211Thr (NM_001162427.2); c.422T>C, p.Ile141Thr (NM_001362177.2); short protein forms I141T, I211T, I262T.
Identifiers: ClinVar variation 1314124 (VCV001314124.2), dbSNP rs2132003570, ClinGen allele CA375369540.
Genomic context (GRCh38, chr9:132,912,410, plus strand): 5'-GAGATTTGGTGAGACACAGAATAGCCATCTTCATATGAGGCTTCTGTGGGATCCAGAGAG[A>G]TTTTGGCACACTCGATCACAACATCATGAGTTTCTAATCTCTTCCACCTGTAAAATGCAA-3'
Protein context (NP_000359.1, residues 252-272): THDVVIECAK[Ile262Thr]SLDPTEASYE